The following is an entry in ClinVar:

NM_001540.5(HSPB1):c.530A>T (p.Asn177Ile)

Gene: HSPB1 (heat shock protein family B (small) member 1; plus strand). Cytogenetic location: 7q11.23.
Variant type: single nucleotide variant.
Coding change: c.530A>T on transcript NM_001540.5 (MANE Select); coding-DNA position 530, A replaced by T.
Protein change: p.Asn177Ile; replaces asparagine 177 with isoleucine.
Molecular consequence: missense variant.
Genome position (GRCh38, 1-based): chr7:76,304,085, A>T. VCF-style: chr7-76304085-A-T. GRCh37 (hg19) VCF-style: chr7-75933402-A-T.
Other names: short protein forms N177I.
Identifiers: ClinVar variation 1371719 (VCV001371719.8), dbSNP rs931154885, ClinGen allele CA160901868.
Genomic context (GRCh38, chr7:76,304,085, plus strand): 5'-TGTCCCCTGAGGGCACACTGACCGTGGAGGCCCCCATGCCCAAGCTAGCCACGCAGTCCA[A>T]CGAGATCACCATCCCAGTCACCTTCGAGTCGCGGGCCCAGCTTGGGGGCCCAGAAGCTGC-3'
Protein context (NP_001531.1, residues 167-187): APMPKLATQS[Asn177Ile]EITIPVTFES

ClinVar aggregate classification (germline): Uncertain significance (1 of 4 stars; one submission).

Conditions:
Charcot-Marie-Tooth disease axonal type 2F (CMT2F). Also called: Charcot-Marie-Tooth Neuropathy Type 2F; CHARCOT-MARIE-TOOTH DISEASE, NEURONAL, TYPE 2F. Identifiers: Orphanet 99940, MedGen C1847823, MONDO:0011687, OMIM 606595.

Allele frequency attached by ClinVar (database versions not stated): gnomAD exomes below 0.00001.
gnomAD v4.1: 3 of 1,613,668 alleles (0.00019%); highest among the groups gnomAD compares: Non-Finnish European, 0.000085%; no homozygotes.

Submission:

Labcorp Genetics (formerly Invitae), Labcorp
Classification: Uncertain significance for Charcot-Marie-Tooth disease axonal type 2F. Last evaluated: 2021-05-17. Review status: criteria provided, single submitter. Criteria: Invitae Variant Classification Sherloc (09022015). Collection method: clinical testing. Allele origin: germline.
Comment: This sequence change replaces asparagine with isoleucine at codon 177 of the HSPB1 protein (p.Asn177Ile). The asparagine residue is weakly conserved and there is a large physicochemical difference between asparagine and isoleucine. This variant is not present in population databases (ExAC no frequency). This variant has not been reported in the literature in individuals with HSPB1-related conditions. Algorithms developed to predict the effect of missense changes on protein structure and function (SIFT, PolyPhen-2, Align-GVGD) all suggest that this variant is likely to be tolerated, but these predictions have not been confirmed by published functional studies and their clinical significance is uncertain. In summary, the available evidence is currently insufficient to determine the role of this variant in disease. Therefore, it has been classified as a Variant of Uncertain Significance.